The following is an entry in ClinVar:

ClinVar aggregate classification (germline): Pathogenic/Likely pathogenic. Review status: criteria provided, multiple submitters, no conflicts (2 of 4 stars). 2 submissions from 2 submitters: Pathogenic (1); Likely pathogenic (1). Last evaluated 2025-07-08.

Conditions:
Fanconi anemia (FA). Also called: Fanconi's anemia. Identifiers: Orphanet 84, MedGen C0015625, MeSH D005199, MONDO:0019391.

Submissions (2):

Natera, Inc.
Classification: Likely pathogenic for Fanconi anemia. Last evaluated: 2025-07-08. Review status: criteria provided, single submitter. Criteria: Natera Variant Classification Schema (03/2026). Collection method: clinical testing. Allele origin: germline.
Comment: The c.4020del variant in FANCA is a frameshift variant predicted to shift the reading frame beginning at codon 1341 and leads to a stop codon 22 codons downstream. This variant is expected to result in nonsense mediated decay, truncation, or a dysfunctional protein product. This variant is rare in the general population with a frequency below the threshold expected for the associated phenotype(s). Given the available evidence, this variant is classified as Likely Pathogenic.

Labcorp Genetics (formerly Invitae), Labcorp
Classification: Pathogenic for Fanconi anemia. Last evaluated: 2023-04-24. Review status: criteria provided, single submitter. Criteria: Invitae Variant Classification Sherloc (09022015). Collection method: clinical testing. Allele origin: germline.
Comment: For these reasons, this variant has been classified as Pathogenic. This variant has not been reported in the literature in individuals affected with FANCA-related conditions. This sequence change creates a premature translational stop signal (p.Tyr1341Thrfs*22) in the FANCA gene. It is expected to result in an absent or disrupted protein product. Loss-of-function variants in FANCA are known to be pathogenic (PMID: 19367192). This variant is not present in population databases (gnomAD no frequency).

Literature cited by the submitters: PubMed 19367192 (cited by Labcorp Genetics (formerly Invitae), Labcorp).

NM_000135.4(FANCA):c.4020del (p.Tyr1341fs)

Genes: FANCA (FA complementation group A; minus strand), ZNF276 (zinc finger protein 276; plus strand). Cytogenetic location: 16q24.3.
Variant type: Deletion.
Coding change: c.4020del on transcript NM_000135.4 (MANE Select); coding-DNA position 4020, one base deleted (C; older notation c.4020delC).
Protein change: p.Tyr1341fs; shifts the reading frame from tyrosine 1341.
Molecular consequence: frameshift variant. On other transcripts: 3 prime UTR variant (2), non-coding transcript variant (4).
Genome position (GRCh38, 1-based): chr16:89,739,280, G deleted on the plus strand (C on the coding strand, the reverse complement: FANCA is on the minus strand); the first of 2 consecutive G bases (chr16:89,739,280-89,739,281); deleting either gives the same sequence. VCF-style (leftmost placement, unchanged base first): chr16-89739279-AG-A. GRCh37 (hg19) VCF-style: chr16-89805687-AG-A.
Other names: c.4020del (NM_000135.3); c.4020del, p.Tyr1341fs (NM_001286167.3); c.*1035del (NM_001113525.2, NM_152287.4); short protein forms Y1341fs.
Identifiers: ClinVar variation 2858756 (VCV002858756.4), dbSNP rs2544080144, ClinGen allele CA2739267027.